The following is an entry in ClinVar:

ClinVar aggregate classification (germline): Uncertain significance (1 of 4 stars; one submission).

Conditions:
Gorlin syndrome. Also called: Nevoid Basal Cell Carcinoma Syndrome; Basal cell nevus syndrome. Identifiers: Orphanet 377, MedGen C0004779, MONDO:0007187.

gnomAD v4.1: 1 of 1,612,542 alleles (0.000062%); highest among the groups gnomAD compares: Non-Finnish European, 0.000085%; no homozygotes.

Submission:

Labcorp Genetics (formerly Invitae), Labcorp
Classification: Uncertain significance for Gorlin syndrome. Last evaluated: 2024-12-24. Review status: criteria provided, single submitter. Criteria: Invitae Variant Classification Sherloc (09022015). Collection method: clinical testing. Allele origin: germline.
Comment: This sequence change falls in intron 11 of the PTCH1 gene. It does not directly change the encoded amino acid sequence of the PTCH1 protein. It affects a nucleotide within the consensus splice site. This variant is not present in population databases (gnomAD no frequency). This variant has not been reported in the literature in individuals affected with PTCH1-related conditions. Variants that disrupt the consensus splice site are a relatively common cause of aberrant splicing (PMID: 17576681, 9536098). Studies have shown that this variant is associated with inconclusive levels of altered splicing (internal data). In summary, the available evidence is currently insufficient to determine the role of this variant in disease. Therefore, it has been classified as a Variant of Uncertain Significance.

Literature cited by the submitters: PubMed 17576681; PubMed 9536098.

NM_000264.5(PTCH1):c.1602+4A>G

Gene: PTCH1 (patched 1; minus strand). Cytogenetic location: 9q22.32.
Variant type: single nucleotide variant.
Coding change: c.1602+4A>G on transcript NM_000264.5 (MANE Select); 4 bases into the intron after coding-DNA position 1602, A replaced by G.
Molecular consequence: intron variant.
Genome position (GRCh38, 1-based): chr9:95,476,755, T>C on the plus strand (A>G on the coding strand, the complement: PTCH1 is on the minus strand). VCF-style: chr9-95476755-T-C. GRCh37 (hg19) VCF-style: chr9-98239037-T-C.
Other names: c.1149+4A>G (NM_001083606.3, NM_001083607.3, NM_001083605.3 and 1 more transcripts); c.1599+4A>G (NM_001083603.3); c.1404+4A>G (NM_001083602.3); c.1446+4A>G (NM_001354918.2).
Identifiers: ClinVar variation 3727938 (VCV003727938.2).